The following is an entry in ClinVar:

ClinVar aggregate classification (germline): Uncertain significance. Review status: criteria provided, multiple submitters, no conflicts (2 of 4 stars). 2 submissions from 2 submitters: Uncertain significance (2). Last evaluated 2024-10-24.

Conditions:
Inborn genetic diseases. Identifiers: MedGen C0950123, MeSH D030342.

Allele frequency attached by ClinVar (database versions not stated): gnomAD exomes below 0.00001; gnomAD 0.00003; TOPMed 0.00004.
gnomAD v4.1: 5 of 1,613,974 alleles (0.00031%); highest among the groups gnomAD compares: African/African-American, 0.0067%; no homozygotes.

Submissions (2):

Labcorp Genetics (formerly Invitae), Labcorp
Classification: Uncertain significance. Last evaluated: 2024-10-24. Review status: criteria provided, single submitter. Criteria: Invitae Variant Classification Sherloc (09022015). Collection method: clinical testing. Allele origin: germline.
Comment: This sequence change replaces aspartic acid, which is acidic and polar, with asparagine, which is neutral and polar, at codon 31 of the MTTP protein (p.Asp31Asn). This variant is not present in population databases (gnomAD no frequency). This variant has not been reported in the literature in individuals affected with MTTP-related conditions. ClinVar contains an entry for this variant (Variation ID: 953090). Invitae Evidence Modeling of protein sequence and biophysical properties (such as structural, functional, and spatial information, amino acid conservation, physicochemical variation, residue mobility, and thermodynamic stability) indicates that this missense variant is not expected to disrupt MTTP protein function with a negative predictive value of 80%. In summary, the available evidence is currently insufficient to determine the role of this variant in disease. Therefore, it has been classified as a Variant of Uncertain Significance.

Ambry Genetics
Classification: Uncertain significance for Inborn genetic diseases. Last evaluated: 2022-12-28. Review status: criteria provided, single submitter. Criteria: Ambry Variant Classification Scheme 2023. Collection method: clinical testing. Allele origin: germline.

NM_001386140.1(MTTP):c.91G>A (p.Asp31Asn)

Gene: MTTP (microsomal triglyceride transfer protein; plus strand). Cytogenetic location: 4q23.
Variant type: single nucleotide variant.
Coding change: c.91G>A on transcript NM_001386140.1 (MANE Select); coding-DNA position 91, G replaced by A.
Protein change: p.Asp31Asn; replaces aspartic acid 31 with asparagine.
Molecular consequence: missense variant. On other transcripts: 5 prime UTR variant (1).
Genome position (GRCh38, 1-based): chr4:99,581,934, G>A. VCF-style: chr4-99581934-G-A. GRCh37 (hg19) VCF-style: chr4-100503091-G-A.
Other names: c.91G>A, p.Asp31Asn (NM_000253.4); c.-159G>A (NM_001300785.2); c.91G>A (NM_000253.2); short protein forms D31N.
Identifiers: ClinVar variation 953090 (VCV000953090.6), dbSNP rs1190372517, ClinGen allele CA357500587.
Genomic context (GRCh38, chr4:99,581,934, plus strand): 5'-AAACTGGATATGTGTCATTATCTTTATGCAGGTCACACAACTGGTCTCTCATTAAATAAT[G>A]ACCGGCTGTACAAGCTCACGTACTCCACTGAAGTTCTTCTTGATCGGGGCAAAGGAAAAC-3'
Protein context (NP_001373069.1, residues 21-41): GHTTGLSLNN[Asp31Asn]RLYKLTYSTE